The following is an entry in ClinVar:

ClinVar aggregate classification (germline): Benign. Review status: criteria provided, multiple submitters, no conflicts (2 of 4 stars). 2 submissions from 2 submitters: Benign (2). Last evaluated 2018-01-13.

Conditions:
Cayman type cerebellar ataxia. Also called: Cayman ataxia. Identifiers: Orphanet 94122, MedGen C1832585, MONDO:0011025, OMIM 601238.

Allele frequency attached by ClinVar (database versions not stated): gnomAD 0.37873 and 0.38894; TOPMed 0.39763; 1000 Genomes Project 30x 0.46471; 1000 Genomes Project 0.47065; gnomAD exomes 0.52941.
gnomAD v4.1: 59,195 of 152,180 alleles (39%); highest among the groups gnomAD compares: South Asian, 62%; 12,023 homozygotes.

Submissions (2):

Illumina Laboratory Services, Illumina
Classification: Benign for Cayman type cerebellar ataxia. Last evaluated: 2018-01-13. Review status: criteria provided, single submitter. Criteria: ICSL Variant Classification Criteria 13 December 2019. Collection method: clinical testing. Allele origin: germline.
Comment: This variant was observed in the ICSL laboratory as part of a predisposition screen in an ostensibly healthy population. It had not been previously curated by ICSL or reported in the Human Gene Mutation Database (HGMD: prior to June 1st, 2018), and was therefore a candidate for classification through an automated scoring system. Utilizing variant allele frequency, disease prevalence and penetrance estimates, and inheritance mode, an automated score was calculated to assess if this variant is too frequent to cause the disease. Based on the score and internal cut-off values, a variant classified as benign is not then subjected to further curation. The score for this variant resulted in a classification of benign for this disease.

Breakthrough Genomics
Classification: Benign. Review status: criteria provided, single submitter. Criteria: ACMG Guidelines, 2015. Collection method: not provided. Allele origin: germline. Inheritance: Autosomal recessive inheritance. Affected: yes.

NM_033064.5(ATCAY):c.*3181G>A

Gene: ATCAY (ATCAY kinesin light chain interacting caytaxin; plus strand). Cytogenetic location: 19p13.3.
Variant type: single nucleotide variant.
Coding change: c.*3181G>A on transcript NM_033064.5 (MANE Select); 3181 bases downstream of the stop codon, G replaced by A.
Molecular consequence: 3 prime UTR variant.
Genome position (GRCh38, 1-based): chr19:3,927,773, G>A. VCF-style: chr19-3927773-G-A. GRCh37 (hg19) VCF-style: chr19-3927771-G-A.
Identifiers: ClinVar variation 329202 (VCV000329202.6), dbSNP rs10412199, ClinGen allele CA10652453.